The following is an entry in ClinVar:

NM_006736.6(DNAJB2):c.-36-11C>G

Gene: DNAJB2 (DnaJ heat shock protein family (Hsp40) member B2; plus strand). Cytogenetic location: 2q35.
Variant type: single nucleotide variant.
Coding change: c.-36-11C>G on transcript NM_006736.6 (MANE Select); 11 bases into the intron before 36 bases upstream of the start codon, C replaced by G.
Molecular consequence: intron variant.
Genome position (GRCh38, 1-based): chr2:219,279,787, C>G. VCF-style: chr2-219279787-C-G. GRCh37 (hg19) VCF-style: chr2-220144509-C-G.
Other names: c.-36-11C>G (NM_001039550.2).
Identifiers: ClinVar variation 382864 (VCV000382864.1), dbSNP rs777721294, ClinGen allele CA2122783.
Genomic context (GRCh38, chr2:219,279,787, plus strand): 5'-GGGGAGGGGGACTGCTGCAGCCACAGGGTGGGGCTCTTGGTTCTTTCCGCCTGACTCCTT[C>G]TCTTCTGCAGCCCCAAGGAGGCCCGCCTGACGACTGACCAGTTGCCATGGCATCCTACTA-3'

ClinVar aggregate classification (germline): Likely benign (1 of 4 stars; one submission).

Allele frequency attached by ClinVar (database versions not stated): TOPMed below 0.00001; ExAC 0.00001; gnomAD 0.00001; gnomAD exomes 0.00001 and 0.00002.

Submission:

GeneDx
Classification: Likely benign. Last evaluated: 2017-07-12. Review status: criteria provided, single submitter. Criteria: GeneDx Variant Classification (06012015). Collection method: clinical testing. Allele origin: germline. Affected: yes.
Comment: This variant is considered likely benign or benign based on one or more of the following criteria: it is a conservative change, it occurs at a poorly conserved position in the protein, it is predicted to be benign by multiple in silico algorithms, and/or has population frequency not consistent with disease.